The following is an entry in ClinVar:

ClinVar aggregate classification (germline): Uncertain significance. Review status: criteria provided, multiple submitters, no conflicts (2 of 4 stars). 3 submissions from 2 submitters: Uncertain significance (3). Last evaluated 2022-10-17.

Conditions:
Jeune thoracic dystrophy. Also called: Jeune syndrome; Infantile thoracic dystrophy; Thoracic pelvic phalangeal dystrophy; Jeune's syndrome; Chondroectodermal dysplasia-like syndrome; Short-rib thoracic dysplasia. Identifiers: Orphanet 474, MedGen C0265275, MONDO:0018770.
Nephronophthisis. Also called: Juvenile Nephronophthisis. Identifiers: Orphanet 655, MedGen C0687120, MONDO:0019005, HP:0000090.
Nephronophthisis 12 (NPHP12). Identifiers: Orphanet 655, MedGen C3151186, MONDO:0013442, OMIM 613820.
Asphyxiating thoracic dystrophy 4 (SRTD4). Also called: SHORT-RIB THORACIC DYSPLASIA 4 WITH OR WITHOUT POLYDACTYLY; SHORT-RIB THORACIC DYSPLASIA 4. Identifiers: Orphanet 474, MedGen C3151185, MONDO:0013441, OMIM 613819.

Allele frequency attached by ClinVar (database versions not stated): TOPMed 0.00001; ExAC 0.00002; gnomAD 0.00002; gnomAD exomes 0.00002 and 0.00003.
gnomAD v4.1: 33 of 1,613,518 alleles (0.002%); highest among the groups gnomAD compares: Non-Finnish European, 0.0026%; no homozygotes.

Submissions (3):

Labcorp Genetics (formerly Invitae), Labcorp
Classification: Uncertain significance for Jeune thoracic dystrophy; Nephronophthisis. Last evaluated: 2022-10-17. Review status: criteria provided, single submitter. Criteria: Invitae Variant Classification Sherloc (09022015). Collection method: clinical testing. Allele origin: germline.
Comment: This sequence change replaces tyrosine, which is neutral and polar, with cysteine, which is neutral and slightly polar, at codon 968 of the TTC21B protein (p.Tyr968Cys). This variant is present in population databases (rs574803644, gnomAD 0.005%). This variant has not been reported in the literature in individuals affected with TTC21B-related conditions. ClinVar contains an entry for this variant (Variation ID: 894575). Advanced modeling of protein sequence and biophysical properties (such as structural, functional, and spatial information, amino acid conservation, physicochemical variation, residue mobility, and thermodynamic stability) performed at Invitae indicates that this missense variant is not expected to disrupt TTC21B protein function. In summary, the available evidence is currently insufficient to determine the role of this variant in disease. Therefore, it has been classified as a Variant of Uncertain Significance.

Illumina Laboratory Services, Illumina
Classification: Uncertain significance for Nephronophthisis 12. Last evaluated: 2017-04-28. Review status: criteria provided, single submitter. Criteria: ICSL Variant Classification Criteria 13 December 2019. Collection method: clinical testing. Allele origin: germline.

Illumina Laboratory Services, Illumina
Classification: Uncertain significance for Asphyxiating thoracic dystrophy 4. Last evaluated: 2017-04-28. Review status: criteria provided, single submitter. Criteria: ICSL Variant Classification Criteria 13 December 2019. Collection method: clinical testing. Allele origin: germline.

NM_024753.5(TTC21B):c.2903A>G (p.Tyr968Cys)

Gene: TTC21B (tetratricopeptide repeat domain 21B; minus strand). Cytogenetic location: 2q24.3.
Variant type: single nucleotide variant.
Coding change: c.2903A>G on transcript NM_024753.5 (MANE Select); coding-DNA position 2903, A replaced by G.
Protein change: p.Tyr968Cys; replaces tyrosine 968 with cysteine.
Molecular consequence: missense variant.
Genome position (GRCh38, 1-based): chr2:165,898,733, T>C on the plus strand (A>G on the coding strand, the complement: TTC21B is on the minus strand). VCF-style: chr2-165898733-T-C. GRCh37 (hg19) VCF-style: chr2-166755243-T-C.
Other names: short protein forms Y968C.
Identifiers: ClinVar variation 894575 (VCV000894575.8), dbSNP rs574803644, ClinGen allele CA1941661.
Genomic context (GRCh38, chr2:165,898,733, plus strand): 5'-AGTAGGTATTTACCTGGCTTACGTTCTAAAAGCTGCTGTAAATGAAACACTGCTTGTTCA[T>C]AGTCTTGTTTTCTGAACATGAGATCAGCCATCATCTATAAAGATAAAAGTTGGTTCTAAA-3'
Protein context (NP_079029.3, residues 958-978): MADLMFRKQD[Tyr968Cys]EQAVFHLQQL